The following is an entry in ClinVar:

NM_002661.5(PLCG2):c.3340G>A (p.Ala1114Thr)

Gene: PLCG2 (phospholipase C gamma 2; plus strand). Cytogenetic location: 16q23.3.
Variant type: single nucleotide variant.
Coding change: c.3340G>A on transcript NM_002661.5 (MANE Select); coding-DNA position 3340, G replaced by A.
Protein change: p.Ala1114Thr; replaces alanine 1114 with threonine.
Molecular consequence: missense variant.
Genome position (GRCh38, 1-based): chr16:81,939,918, G>A. VCF-style: chr16-81939918-G-A. GRCh37 (hg19) VCF-style: chr16-81973523-G-A.
Other names: short protein forms A1114T.
Identifiers: ClinVar variation 2628480 (VCV002628480.1), dbSNP rs1910869594, ClinGen allele CA396908301.
Genomic context (GRCh38, chr16:81,939,918, plus strand): 5'-ATGTGGCCTCTCATGAGCTTTGATCTCCTTCCAGATGATAATGGCCTCAGCCCTATCTGG[G>A]CTCCAACACAGGAGAAGGTGACATTTGAAATTTATGACCCAAACCTGGCATTTCTGCGCT-3'
Protein context (NP_002652.2, residues 1104-1124): VNDNGLSPIW[Ala1114Thr]PTQEKVTFEI

ClinVar aggregate classification (germline): Uncertain significance (1 of 4 stars; one submission).

Conditions:
PLCG2-related disorder. Also called: PLCG2-related condition.

Submission:

PreventionGenetics, part of Exact Sciences
Classification: Uncertain significance for PLCG2-related condition. Last evaluated: 2023-03-27. Review status: criteria provided, single submitter. Criteria: ACMG Guidelines, 2015. Collection method: clinical testing. Allele origin: germline.
Comment: The PLCG2 c.3340G>A variant is predicted to result in the amino acid substitution p.Ala1114Thr. To our knowledge, this variant has not been reported in the literature or in a large population database, indicating this variant is rare. At this time, the clinical significance of this variant is uncertain due to the absence of conclusive functional and genetic evidence.